The following is an entry in ClinVar:

ClinVar aggregate classification (germline): Benign. Review status: criteria provided, multiple submitters, no conflicts (2 of 4 stars). 6 submissions from 6 submitters: Benign (6). Last evaluated 2026-02-04.

Conditions:
Microcephalic osteodysplastic primordial dwarfism type II (MOPD2). Also called: Microcephalic osteodysplastic primordial dwarfism with tooth abnormalities; MOPD II; OSTEODYSPLASTIC PRIMORDIAL DWARFISM, TYPE II. Identifiers: Orphanet 2637, MedGen C0432246, MONDO:0008872, OMIM 210720.

Allele frequency attached by ClinVar (database versions not stated): ESP Exome Variant Server 0.10749; gnomAD 0.11770 and 0.12250; TOPMed 0.11828; gnomAD exomes 0.13384 and 0.14758; ExAC 0.14785; 1000 Genomes Project 30x 0.14897; 1000 Genomes Project 0.15216.

Submissions (6):

Labcorp Genetics (formerly Invitae), Labcorp
Classification: Benign. Last evaluated: 2026-02-04. Review status: criteria provided, single submitter. Criteria: Invitae Variant Classification Sherloc (09022015). Collection method: clinical testing. Allele origin: germline.

Illumina Laboratory Services, Illumina
Classification: Benign for Microcephalic osteodysplastic primordial dwarfism type II. Last evaluated: 2018-01-13. Review status: criteria provided, single submitter. Criteria: ICSL Variant Classification Criteria 13 December 2019. Collection method: clinical testing. Allele origin: germline.
Comment: This variant was observed in the ICSL laboratory as part of a predisposition screen in an ostensibly healthy population. It had not been previously curated by ICSL or reported in the Human Gene Mutation Database (HGMD: prior to June 1st, 2018), and was therefore a candidate for classification through an automated scoring system. Utilizing variant allele frequency, disease prevalence and penetrance estimates, and inheritance mode, an automated score was calculated to assess if this variant is too frequent to cause the disease. Based on the score and internal cut-off values, a variant classified as benign is not then subjected to further curation. The score for this variant resulted in a classification of benign for this disease.

Eurofins Ntd Llc (ga)
Classification: Benign. Last evaluated: 2016-07-20. Review status: criteria provided, single submitter. Criteria: EGL Classification Definitions 2015. Collection method: clinical testing. Allele origin: germline. Observed: 3 variant alleles, 3 heterozygotes.

GeneDx
Classification: Benign. Last evaluated: 2015-03-03. Review status: criteria provided, single submitter. Criteria: GeneDx Variant Classification Process June 2021. Collection method: clinical testing. Allele origin: germline. Affected: yes.

Genetic Services Laboratory, University of Chicago
Classification: Benign. Last evaluated: 2013-05-14. Review status: criteria provided, single submitter. Criteria: ACMG Guidelines, 2007. Collection method: clinical testing. Allele origin: germline. Inheritance: Autosomal recessive inheritance.

Breakthrough Genomics
Classification: Benign. Review status: criteria provided, single submitter. Criteria: ACMG Guidelines, 2015. Collection method: not provided. Allele origin: germline. Inheritance: Autosomal recessive inheritance. Affected: yes.

NM_006031.6(PCNT):c.3487C>T (p.Arg1163Cys)

Gene: PCNT (pericentrin; plus strand). Cytogenetic location: 21q22.3.
Variant type: single nucleotide variant.
Coding change: c.3487C>T on transcript NM_006031.6 (MANE Select); coding-DNA position 3487, C replaced by T.
Protein change: p.Arg1163Cys; replaces arginine 1163 with cysteine.
Molecular consequence: missense variant.
Genome position (GRCh38, 1-based): chr21:46,388,764, C>T. VCF-style: chr21-46388764-C-T. GRCh37 (hg19) VCF-style: chr21-47808679-C-T.
Other names: c.3133C>T, p.Arg1045Cys (NM_001315529.2); short protein forms R1163C, R1045C.
Identifiers: ClinVar variation 159589 (VCV000159589.22), dbSNP rs7279204, ClinGen allele CA172994.
Genomic context (GRCh38, chr21:46,388,764, plus strand): 5'-TGACCAGCTTGCCTGATGATGGGTGTCTCCTGTCTCAGAGGGGCCCTCCAGGACGCCCTG[C>T]GCAGGCTGCTGGGTTTGTTTGGAGAGACGCTGAGGGCAGCCGTCACCCTGAGGAGCCGGA-3'
Protein context (NP_006022.3, residues 1153-1173): SERGALQDAL[Arg1163Cys]RLLGLFGETL